The following is an entry in ClinVar:

ClinVar aggregate classification (germline): Pathogenic. Review status: reviewed by expert panel (3 of 4 stars). 6 submissions from 6 submitters: Pathogenic (1). 5 of the submissions do not count toward it. Last evaluated 2016-09-08.

Conditions:
Breast-ovarian cancer, familial, susceptibility to, 1 (BROVCA1). Also called: BRCA1 Hereditary Breast and Ovarian Cancer; OVARIAN CANCER, SUSCEPTIBILITY TO. Identifiers: Orphanet 145, MedGen C2676676, MONDO:0011450, OMIM 604370. Disease mechanism: loss of function.
Hereditary cancer-predisposing syndrome. Also called: Hereditary Cancer Syndrome; Neoplastic Syndromes, Hereditary; Hereditary neoplastic syndrome; Tumor predisposition. Identifiers: Orphanet 140162, MedGen C0027672, MeSH D009386, MONDO:0015356.
Hereditary breast ovarian cancer syndrome. Also called: Hereditary breast and/or ovarian cancer syndrome; Hereditary breast and ovarian cancer syndrome; Hereditary breast and ovarian cancer; Hereditary breast and ovarian cancer syndrome (HBOC); Breast and ovarian cancer; BRCA1- and BRCA2-Associated Hereditary Breast and Ovarian Cancer. Identifiers: Orphanet 145, MedGen C0677776, MeSH D061325, MONDO:0003582. Disease mechanism: loss of function.

Submissions (6):

Evidence-based Network for the Interpretation of Germline Mutant Alleles (ENIGMA)
Classification: Pathogenic for Breast-ovarian cancer, familial, susceptibility to, 1. Last evaluated: 2016-09-08. Review status: reviewed by expert panel. Criteria: ENIGMA BRCA1/2 Classification Criteria (2015). Collection method: curation. Allele origin: germline.
Comment: Variant allele predicted to encode a truncated non-functional protein.

Ambry Genetics
Classification: Pathogenic for Hereditary cancer-predisposing syndrome. Last evaluated: 2024-04-05. Review status: criteria provided, single submitter. Criteria: Ambry Variant Classification Scheme 2023. Collection method: clinical testing. Allele origin: germline. Not counted in ClinVar's aggregate classification.
Comment: The c.2001dupA pathogenic mutation, located in coding exon 9 of the BRCA1 gene, results from a duplication of A at nucleotide position 2001, causing a translational frameshift with a predicted alternate stop codon (p.L668Tfs*5). This variant is considered to be rare based on population cohorts in the Genome Aggregation Database (gnomAD). This alteration is expected to result in loss of function by premature protein truncation or nonsense-mediated mRNA decay. As such, this alteration is interpreted as a disease-causing mutation.

Women's Health and Genetics/Laboratory Corporation of America, LabCorp
Classification: Pathogenic for Hereditary breast ovarian cancer syndrome. Last evaluated: 2016-02-12. Review status: criteria provided, single submitter. Criteria: LabCorp Variant Classification Summary - May 2015. Collection method: clinical testing. Allele origin: germline. Not counted in ClinVar's aggregate classification.

Consortium of Investigators of Modifiers of BRCA1/2 (CIMBA), c/o University of Cambridge
Classification: Pathogenic for Breast-ovarian cancer, familial, susceptibility to, 1. Last evaluated: 2015-10-02. Review status: criteria provided, single submitter. Criteria: CIMBA Mutation Classification guidelines May 2016. Collection method: clinical testing. Allele origin: germline. Not counted in ClinVar's aggregate classification.

Sharing Clinical Reports Project (SCRP)
Classification: Pathogenic for Breast-ovarian cancer, familial 1. Last evaluated: 2012-05-01. Review status: no assertion criteria provided. Collection method: clinical testing. Allele origin: germline. Not counted in ClinVar's aggregate classification.

Breast Cancer Information Core (BIC) (BRCA1)
Classification: Pathogenic for Breast-ovarian cancer, familial 1. Last evaluated: 2004-02-20. Review status: no assertion criteria provided. Collection method: clinical testing. Allele origin: germline. Affected: yes. Observed: 1 variant allele. Not counted in ClinVar's aggregate classification.

Literature cited by the submitters: PubMed 16267036 (cited by Women's Health and Genetics/Laboratory Corporation of America, LabCorp).

NM_007294.4(BRCA1):c.2001dup (p.Leu668fs)

Gene: BRCA1 (BRCA1 DNA repair associated; minus strand). Cytogenetic location: 17q21.31.
Variant type: Duplication.
Coding change: c.2001dup on transcript NM_007294.4 (MANE Select); coding-DNA position 2001, one base duplicated (A; older notation c.2001dupA).
Protein change: p.Leu668fs; shifts the reading frame from leucine 668.
Molecular consequence: frameshift variant. On other transcripts: intron variant (137).
Genome position (GRCh38, 1-based): chr17:43,093,530, T duplicated on the plus strand (A on the coding strand, the reverse complement: BRCA1 is on the minus strand); the first of 2 consecutive T bases (chr17:43,093,530-43,093,531); duplicating either gives the same sequence. VCF-style (leftmost placement, unchanged base first): chr17-43093529-G-GT. GRCh37 (hg19) VCF-style: chr17-41245546-G-GT.
Other names: 2120insA; c.2001dupA (NM_007294.3); c.1878dup, p.Leu627fs (NM_001407676.1, NM_001407677.1, NM_001407678.1 and 19 more transcripts); c.2001dup, p.Leu668fs (NM_001407684.1, NM_001407854.1, NM_001407858.1 and 30 more transcripts); c.1875dup, p.Leu626fs (NM_001407685.1, NM_001407686.1, NM_001407687.1 and 11 more transcripts); c.1860dup, p.Leu621fs (NM_001407692.1, NM_001407694.1, NM_001407695.1 and 29 more transcripts); c.1857dup, p.Leu620fs (NM_001407740.1, NM_001407741.1, NM_001407742.1 and 20 more transcripts); c.1788dup, p.Leu597fs (NM_001407853.1, NM_001407894.1, NM_001407895.1 and 9 more transcripts); and 42 more; short protein forms L621fs, L668fs, L626fs, L641fs, L667fs, L556fs, L372fs, L540fs.
Identifiers: ClinVar variation 96903 (VCV000096903.9), dbSNP rs80357521, ClinGen allele CA001334.